The following is an entry in ClinVar:

NM_000094.4(COL7A1):c.502G>A (p.Val168Ile)

Gene: COL7A1 (collagen type VII alpha 1 chain; minus strand). Cytogenetic location: 3p21.31.
Variant type: single nucleotide variant.
Coding change: c.502G>A on transcript NM_000094.4 (MANE Select); coding-DNA position 502, G replaced by A.
Protein change: p.Val168Ile; replaces valine 168 with isoleucine.
Molecular consequence: missense variant.
Genome position (GRCh38, 1-based): chr3:48,593,374, C>T on the plus strand (G>A on the coding strand, the complement: COL7A1 is on the minus strand). VCF-style: chr3-48593374-C-T. GRCh37 (hg19) VCF-style: chr3-48630807-C-T.
Other names: short protein forms V168I.
Identifiers: ClinVar variation 1391500 (VCV001391500.6), dbSNP rs562413402, ClinGen allele CA352746430.

ClinVar aggregate classification (germline): Uncertain significance (1 of 4 stars; one submission).

gnomAD v4.1: 5 of 1,614,124 alleles (0.00031%); highest among the groups gnomAD compares: Non-Finnish European, 0.00034%; no homozygotes.

Submission:

Labcorp Genetics (formerly Invitae), Labcorp
Classification: Uncertain significance. Last evaluated: 2025-08-21. Review status: criteria provided, single submitter. Criteria: Invitae Variant Classification Sherloc (09022015). Collection method: clinical testing. Allele origin: germline.
Comment: This sequence change replaces valine, which is neutral and non-polar, with isoleucine, which is neutral and non-polar, at codon 168 of the COL7A1 protein (p.Val168Ile). This variant is not present in population databases (gnomAD no frequency). This variant has not been reported in the literature in individuals affected with COL7A1-related conditions. ClinVar contains an entry for this variant (Variation ID: 1391500). Invitae Evidence Modeling of protein sequence and biophysical properties (such as structural, functional, and spatial information, amino acid conservation, physicochemical variation, residue mobility, and thermodynamic stability) indicates that this missense variant is not expected to disrupt COL7A1 protein function with a negative predictive value of 95%. In summary, the available evidence is currently insufficient to determine the role of this variant in disease. Therefore, it has been classified as a Variant of Uncertain Significance.